The following is an entry in ClinVar:

ClinVar aggregate classification (germline): Conflicting classifications of pathogenicity. Review status: criteria provided, conflicting classifications (1 of 4 stars). 2 submissions from 2 submitters: Uncertain significance (1); Likely benign (1). Last evaluated 2025-05-21.

Conditions:
Hereditary cancer-predisposing syndrome. Also called: Tumor predisposition; Hereditary neoplastic syndrome; Neoplastic Syndromes, Hereditary; Hereditary Cancer Syndrome. Identifiers: Orphanet 140162, MedGen C0027672, MeSH D009386, MONDO:0015356.
Bloom syndrome (BLM). Also called: Bloom-Torre-Machacek syndrome. Identifiers: Orphanet 125, MedGen C0005859, MONDO:0008876, OMIM 210900.

Allele frequency attached by ClinVar (database versions not stated): gnomAD exomes below 0.00001; ExAC 0.00001; gnomAD 0.00001.
gnomAD v4.1: 12 of 1,614,084 alleles (0.00074%); highest among the groups gnomAD compares: South Asian, 0.013%; no homozygotes.

Submissions (2):

Ambry Genetics
Classification: Likely benign for Hereditary cancer-predisposing syndrome. Last evaluated: 2025-05-21. Review status: criteria provided, single submitter. Criteria: Ambry Variant Classification Scheme 2023. Collection method: clinical testing. Allele origin: germline.

Labcorp Genetics (formerly Invitae), Labcorp
Classification: Uncertain significance for Bloom syndrome. Last evaluated: 2022-01-28. Review status: criteria provided, single submitter. Criteria: Invitae Variant Classification Sherloc (09022015). Collection method: clinical testing. Allele origin: germline.
Comment: In summary, the available evidence is currently insufficient to determine the role of this variant in disease. Therefore, it has been classified as a Variant of Uncertain Significance. Algorithms developed to predict the effect of missense changes on protein structure and function output the following: SIFT: "Tolerated"; PolyPhen-2: "Benign"; Align-GVGD: "Class C0". The arginine amino acid residue is found in multiple mammalian species, which suggests that this missense change does not adversely affect protein function. This variant has not been reported in the literature in individuals affected with BLM-related conditions. This variant is present in population databases (rs550463714, gnomAD 0.003%). This sequence change replaces lysine, which is basic and polar, with arginine, which is basic and polar, at codon 514 of the BLM protein (p.Lys514Arg).

NM_000057.4(BLM):c.1541A>G (p.Lys514Arg)

Gene: BLM (BLM RecQ like helicase; plus strand). Cytogenetic location: 15q26.1.
Variant type: single nucleotide variant.
Coding change: c.1541A>G on transcript NM_000057.4 (MANE Select); coding-DNA position 1541, A replaced by G.
Protein change: p.Lys514Arg; replaces lysine 514 with arginine.
Molecular consequence: missense variant.
Genome position (GRCh38, 1-based): chr15:90,760,914, A>G. VCF-style: chr15-90760914-A-G. GRCh37 (hg19) VCF-style: chr15-91304144-A-G.
Other names: c.1541A>G (NM_000057.2); c.1541A>G, p.Lys514Arg (NM_001287246.2, NM_001287247.2); c.416A>G, p.Lys139Arg (NM_001287248.2); short protein forms K514R, K139R.
Identifiers: ClinVar variation 1493552 (VCV001493552.7), dbSNP rs550463714, ClinGen allele CA7738555.